The following is an entry in ClinVar:

NM_001371986.1(UNC80):c.2000A>T (p.Asp667Val)

Gene: UNC80 (unc-80 subunit of NALCN channel complex; plus strand). Cytogenetic location: 2q34.
Variant type: single nucleotide variant.
Coding change: c.2000A>T on transcript NM_001371986.1 (MANE Select); coding-DNA position 2000, A replaced by T.
Protein change: p.Asp667Val; replaces aspartic acid 667 with valine.
Molecular consequence: missense variant.
Genome position (GRCh38, 1-based): chr2:209,820,348, A>T. VCF-style: chr2-209820348-A-T. GRCh37 (hg19) VCF-style: chr2-210685072-A-T.
Other names: c.2000A>T, p.Asp667Val (NM_032504.2, NM_182587.4); short protein forms D667V.
Identifiers: ClinVar variation 1713846 (VCV001713846.5), dbSNP rs2470970272, ClinGen allele CA350136248.

ClinVar aggregate classification (germline): Uncertain significance (1 of 4 stars; one submission).

Submission:

Labcorp Genetics (formerly Invitae), Labcorp
Classification: Uncertain significance. Last evaluated: 2022-07-27. Review status: criteria provided, single submitter. Criteria: Invitae Variant Classification Sherloc (09022015). Collection method: clinical testing. Allele origin: germline.
Comment: Algorithms developed to predict the effect of sequence changes on RNA splicing suggest that this variant may create or strengthen a splice site. Algorithms developed to predict the effect of missense changes on protein structure and function are either unavailable or do not agree on the potential impact of this missense change (SIFT: "Not Available"; PolyPhen-2: "Probably Damaging"; Align-GVGD: "Not Available"). This variant has not been reported in the literature in individuals affected with UNC80-related conditions. This variant is not present in population databases (gnomAD no frequency). This sequence change replaces aspartic acid, which is acidic and polar, with valine, which is neutral and non-polar, at codon 667 of the UNC80 protein (p.Asp667Val). In summary, the available evidence is currently insufficient to determine the role of this variant in disease. Therefore, it has been classified as a Variant of Uncertain Significance.